The following is an entry in ClinVar:

ClinVar aggregate classification (germline): Benign. Review status: criteria provided, multiple submitters, no conflicts (2 of 4 stars). 2 submissions from 2 submitters: Benign (2). Last evaluated 2018-06-19.

Allele frequency attached by ClinVar (database versions not stated): ESP Exome Variant Server 0.31142; gnomAD 0.32082; ExAC 0.32576; TOPMed 0.31380; 1000 Genomes Project 0.24740; 1000 Genomes Project 30x 0.25281.
gnomAD v4.1: 522,844 of 1,562,636 alleles (33%); highest among the groups gnomAD compares: Admixed American, 45%; 91,530 homozygotes.

Submissions (2):

GeneDx
Classification: Benign. Last evaluated: 2018-06-19. Review status: criteria provided, single submitter. Criteria: GeneDx Variant Classification (06012015). Collection method: clinical testing. Allele origin: germline. Affected: yes.
Comment: This variant is considered likely benign or benign based on one or more of the following criteria: it is a conservative change, it occurs at a poorly conserved position in the protein, it is predicted to be benign by multiple in silico algorithms, and/or has population frequency not consistent with disease.

Breakthrough Genomics
Classification: Benign. Review status: criteria provided, single submitter. Criteria: ACMG Guidelines, 2015. Collection method: not provided. Allele origin: germline. Inheritance: Autosomal recessive inheritance. Affected: yes.

NM_004320.6(ATP2A1):c.544+39C>T

Gene: ATP2A1 (ATPase sarcoplasmic/endoplasmic reticulum Ca2+ transporting 1; plus strand). Cytogenetic location: 16p11.2.
Variant type: single nucleotide variant.
Coding change: c.544+39C>T on transcript NM_004320.6 (MANE Select); 39 bases into the intron after coding-DNA position 544, C replaced by T.
Molecular consequence: intron variant.
Genome position (GRCh38, 1-based): chr16:28,884,694, C>T. VCF-style: chr16-28884694-C-T. GRCh37 (hg19) VCF-style: chr16-28896015-C-T.
Other names: c.544+39C>T (NM_173201.5); c.169+39C>T (NM_001286075.2).
Identifiers: ClinVar variation 678081 (VCV000678081.2), dbSNP rs11642449, ClinGen allele CA7986679.